The following is an entry in ClinVar:

NM_022124.6(CDH23):c.753+6del

Gene: CDH23 (cadherin related 23; plus strand). Cytogenetic location: 10q22.1.
Variant type: Deletion.
Coding change: c.753+6del on transcript NM_022124.6 (MANE Select); 6 bases into the intron after coding-DNA position 753, one base deleted (A; older notation c.753+6delA).
Molecular consequence: intron variant.
Genome position (GRCh38, 1-based): chr10:71,570,924, A deleted. VCF-style (leftmost placement, unchanged base first): chr10-71570923-GA-G. GRCh37 (hg19) VCF-style: chr10-73330680-GA-G.
Other names: c.753+6del (NM_001171930.2, NM_001171931.2, NM_052836.4 and 1 more transcripts).
Identifiers: ClinVar variation 841802 (VCV000841802.8), dbSNP rs1857755441, ClinGen allele CA916083136.

ClinVar aggregate classification (germline): Uncertain significance (1 of 4 stars; one submission).

Allele frequency attached by ClinVar (database versions not stated): TOPMed below 0.00001.

Submission:

Labcorp Genetics (formerly Invitae), Labcorp
Classification: Uncertain significance. Last evaluated: 2019-12-27. Review status: criteria provided, single submitter. Criteria: Invitae Variant Classification Sherloc (09022015). Collection method: clinical testing. Allele origin: germline.
Comment: In summary, the available evidence is currently insufficient to determine the role of this variant in disease. Therefore, it has been classified as a Variant of Uncertain Significance. This variant has not been reported in the literature in individuals with CDH23-related conditions. Nucleotide substitutions within the consensus splice site are a relatively common cause of aberrant splicing (PMID: 17576681, 9536098). Algorithms developed to predict the effect of sequence changes on RNA splicing suggest that this variant may create or strengthen a splice site, but this prediction has not been confirmed by published transcriptional studies. This sequence change falls in intron 8 of the CDH23 gene. It does not directly change the encoded amino acid sequence of the CDH23 protein, but it affects a nucleotide within the consensus splice site of the intron. This variant is not present in population databases (ExAC no frequency).

Literature cited by the submitters: PubMed 17576681; PubMed 9536098.